The following is an entry in ClinVar:

ClinVar aggregate classification (germline): Likely pathogenic (1 of 4 stars; one submission).

Conditions:
NIPBL-related disorder. Also called: NIPBL-related condition.

Submission:

PreventionGenetics, part of Exact Sciences
Classification: Likely pathogenic for NIPBL-related condition. Last evaluated: 2026-08-24. Review status: criteria provided, single submitter. Criteria: ACMG Guidelines, 2015. Collection method: clinical testing. Allele origin: germline.
Comment: The NIPBL c.6246dupG variant is predicted to result in a frameshift and premature protein termination (p.Thr2083Aspfs*16). To our knowledge, this variant has not been reported in the literature or in a large population database (gnomAD), indicating this variant is rare. Frameshift variants in NIPBL are expected to be pathogenic. This variant is interpreted as likely pathogenic.

NM_133433.4(NIPBL):c.6246dup (p.Thr2083fs)

Gene: NIPBL (NIPBL cohesin loading factor; plus strand). Cytogenetic location: 5p13.2.
Variant type: Duplication.
Coding change: c.6246dup on transcript NM_133433.4 (MANE Select); coding-DNA position 6246, one base duplicated (G; older notation c.6246dupG).
Protein change: p.Thr2083fs; shifts the reading frame from threonine 2083.
Molecular consequence: frameshift variant.
Genome position (GRCh38, 1-based): chr5:37,044,484, G duplicated. VCF-style (leftmost placement, unchanged base first): chr5-37044483-T-TG. GRCh37 (hg19) VCF-style: chr5-37044585-T-TG.
Other names: c.6246dup, p.Thr2083fs (NM_001438586.1, NM_015384.5); short protein forms T2083fs.
Identifiers: ClinVar variation 4994766 (VCV004994766.1).